The following is an entry in ClinVar:

ClinVar aggregate classification (germline): Uncertain significance. Review status: criteria provided, multiple submitters, no conflicts (2 of 4 stars). 4 submissions from 4 submitters: Uncertain significance (4). Last evaluated 2026-01-22.

Conditions:
Cardiovascular phenotype. Identifiers: MedGen CN230736.
RASopathy. Also called: Noonan spectrum disorder; rasopathies. Identifiers: Orphanet 536391, MedGen C5555857, MONDO:0021060.

Submissions (4):

GeneDx
Classification: Uncertain significance. Last evaluated: 2026-01-22. Review status: criteria provided, single submitter. Criteria: GeneDx Variant Classification Process June 2021. Collection method: clinical testing. Allele origin: germline.
Comment: Not observed at significant frequency in large population cohorts (gnomAD); Missense variants in this gene are a common cause of disease and they are underrepresented in the general population; In silico analysis suggests that this missense variant does not alter protein structure/function; Has not been previously published as pathogenic or benign to our knowledge; This variant is associated with the following publications: (PMID: 29493581)

Ambry Genetics
Classification: Uncertain significance for Cardiovascular phenotype. Last evaluated: 2025-12-31. Review status: criteria provided, single submitter. Criteria: Ambry Variant Classification Scheme 2023. Collection method: clinical testing. Allele origin: germline.

Labcorp Genetics (formerly Invitae), Labcorp
Classification: Uncertain significance for RASopathy. Last evaluated: 2022-10-30. Review status: criteria provided, single submitter. Criteria: Invitae Variant Classification Sherloc (09022015). Collection method: clinical testing. Allele origin: germline.
Comment: In summary, the available evidence is currently insufficient to determine the role of this variant in disease. Therefore, it has been classified as a Variant of Uncertain Significance. Advanced modeling of protein sequence and biophysical properties (such as structural, functional, and spatial information, amino acid conservation, physicochemical variation, residue mobility, and thermodynamic stability) performed at Invitae indicates that this missense variant is not expected to disrupt SOS1 protein function. ClinVar contains an entry for this variant (Variation ID: 1163705). This variant has not been reported in the literature in individuals affected with SOS1-related conditions. This variant is not present in population databases (gnomAD no frequency). This sequence change replaces isoleucine, which is neutral and non-polar, with valine, which is neutral and non-polar, at codon 110 of the SOS1 protein (p.Ile110Val).

Mayo Clinic Laboratories, Mayo Clinic
Classification: Uncertain significance. Last evaluated: 2019-05-26. Review status: criteria provided, single submitter. Criteria: ACMG Guidelines, 2015. Collection method: clinical testing. Allele origin: germline. Observed: 1 variant allele.

NM_005633.4(SOS1):c.328A>G (p.Ile110Val)

Gene: SOS1 (SOS Ras/Rac guanine nucleotide exchange factor 1; minus strand). Cytogenetic location: 2p22.1.
Variant type: single nucleotide variant.
Coding change: c.328A>G on transcript NM_005633.4 (MANE Select); coding-DNA position 328, A replaced by G.
Protein change: p.Ile110Val; replaces isoleucine 110 with valine.
Molecular consequence: missense variant.
Genome position (GRCh38, 1-based): chr2:39,058,690, T>C on the plus strand (A>G on the coding strand, the complement: SOS1 is on the minus strand). VCF-style: chr2-39058690-T-C. GRCh37 (hg19) VCF-style: chr2-39285831-T-C.
Other names: c.307A>G, p.Ile103Val (NM_001382394.1); c.328A>G, p.Ile110Val (NM_001382395.1); short protein forms I103V, I110V.
Identifiers: ClinVar variation 1163705 (VCV001163705.13), dbSNP rs1276127499, ClinGen allele CA346373813.
Genomic context (GRCh38, chr2:39,058,690, plus strand): 5'-TATTTTTCCCTTAAAAGGCAAGAAGGCAGTAGTTCAGCATTACCTTTAATAAAGGATGAA[T>C]TTTTTCTACTGGGAGAGATAAAGGGTTTCTTCGCTTCCTCTTTTCAATAGCTGATTGGGC-3'
Protein context (NP_005624.2, residues 100-120): RNPLSLPVEK[Ile110Val]HPLLKEVLGY